The following is an entry in ClinVar:

NM_001136139.4(TCF3):c.1661G>A (p.Arg554Gln)

Gene: TCF3 (transcription factor 3; minus strand). Cytogenetic location: 19p13.3.
Variant type: single nucleotide variant.
Coding change: c.1661G>A on transcript NM_001136139.4 (MANE Plus Clinical); coding-DNA position 1661, G replaced by A.
Protein change: p.Arg554Gln; replaces arginine 554 with glutamine.
Molecular consequence: missense variant. On other transcripts: intron variant (2).
Genome position (GRCh38, 1-based): chr19:1,612,359, C>T on the plus strand (G>A on the coding strand, the complement: TCF3 is on the minus strand). VCF-style: chr19-1612359-C-T. GRCh37 (hg19) VCF-style: chr19-1612358-C-T.
Other names: c.1661G>A, p.Arg554Gln (NM_001351779.2); c.1820-510G>A (NM_001351778.2); c.1823-510G>A (NM_003200.5); short protein forms R554Q.
Identifiers: ClinVar variation 1530548 (VCV001530548.8), dbSNP rs770576452, ClinGen allele CA9049589.

ClinVar aggregate classification (germline): Uncertain significance (1 of 4 stars; one submission).

Allele frequency attached by ClinVar (database versions not stated): gnomAD exomes below 0.00001; ExAC 0.00001.
gnomAD v4.1: 2 of 1,613,948 alleles (0.00012%); highest among the groups gnomAD compares: Non-Finnish European, 0.00017%; no homozygotes.

Submission:

Labcorp Genetics (formerly Invitae), Labcorp
Classification: Uncertain significance. Last evaluated: 2024-12-09. Review status: criteria provided, single submitter. Criteria: Invitae Variant Classification Sherloc (09022015). Collection method: clinical testing. Allele origin: germline.
Comment: The TCF3 gene has multiple clinically relevant transcripts. This variant occurs in alternate transcript NM_001136139.3, and corresponds to NM_003200.4:c.1823-510G>A in the primary transcript. This sequence change replaces arginine, which is basic and polar, with glutamine, which is neutral and polar, at codon 554 of the TCF3 protein (p.Arg554Gln). This variant is present in population databases (rs770576452, gnomAD 0.0009%). This variant has not been reported in the literature in individuals affected with TCF3-related conditions. ClinVar contains an entry for this variant (Variation ID: 1530548). Experimental studies and prediction algorithms are not available or were not evaluated, and the functional significance of this variant is currently unknown. Algorithms developed to predict the effect of sequence changes on RNA splicing suggest that this variant is not likely to affect RNA splicing. In summary, the available evidence is currently insufficient to determine the role of this variant in disease. Therefore, it has been classified as a Variant of Uncertain Significance.